The following is an entry in ClinVar:

NM_172107.4(KCNQ2):c.1830G>C (p.Glu610Asp)

Gene: KCNQ2 (potassium voltage-gated channel subfamily Q member 2; minus strand). Cytogenetic location: 20q13.33.
Variant type: single nucleotide variant.
Coding change: c.1830G>C on transcript NM_172107.4 (MANE Select); coding-DNA position 1830, G replaced by C.
Protein change: p.Glu610Asp; replaces glutamic acid 610 with aspartic acid.
Molecular consequence: missense variant.
Genome position (GRCh38, 1-based): chr20:63,408,470, C>G on the plus strand (G>C on the coding strand, the complement: KCNQ2 is on the minus strand). VCF-style: chr20-63408470-C-G. GRCh37 (hg19) VCF-style: chr20-62039823-C-G.
Other names: c.1884G>C, p.Glu628Asp (NM_001382235.1); c.1746G>C, p.Glu582Asp (NM_004518.6); c.1776G>C, p.Glu592Asp (NM_172106.3); c.1737G>C, p.Glu579Asp (NM_172108.5); short protein forms E582D, E628D, E579D, E592D, E610D.
Identifiers: ClinVar variation 1426419 (VCV001426419.9), dbSNP rs2145497049, ClinGen allele CA409640319.
Genomic context (GRCh38, chr20:63,408,470, plus strand): 5'-CACCTGCTTCTCCACCTTCCCGAGCCGTCCCATCATGCTGGGGTCCTCGGGCAGCTCCGC[C>G]TCGGCCGGGCCCTTGGTGCGGTCCTTGTCCGTGATCGCTGGGCCCCGCCCCACGATCTGG-3'
Protein context (NP_742105.1, residues 600-620): TDKDRTKGPA[Glu610Asp]AELPEDPSMM

ClinVar aggregate classification (germline): Uncertain significance (1 of 4 stars; one submission).

Conditions:
Early-infantile DEE. Also called: Ohtahara syndrome; Early infantile epileptic encephalopathy with suppression bursts; Early infantile epileptic encephalopathy. Identifiers: Orphanet 1934, MedGen C0393706, MONDO:0800491.

Submission:

Labcorp Genetics (formerly Invitae), Labcorp
Classification: Uncertain significance for Early-infantile DEE. Last evaluated: 2020-12-27. Review status: criteria provided, single submitter. Criteria: Invitae Variant Classification Sherloc (09022015). Collection method: clinical testing. Allele origin: germline.
Comment: In summary, the available evidence is currently insufficient to determine the role of this variant in disease. Therefore, it has been classified as a Variant of Uncertain Significance. Advanced modeling of protein sequence and biophysical properties (such as structural, functional, and spatial information, amino acid conservation, physicochemical variation, residue mobility, and thermodynamic stability) performed at Invitae indicates that this missense variant is not expected to disrupt KCNQ2 protein function. This variant has not been reported in the literature in individuals with KCNQ2-related conditions. This variant is not present in population databases (ExAC no frequency). This sequence change replaces glutamic acid with aspartic acid at codon 610 of the KCNQ2 protein (p.Glu610Asp). The glutamic acid residue is moderately conserved and there is a small physicochemical difference between glutamic acid and aspartic acid.